The following is an entry in ClinVar:

NM_001374353.1(GLI2):c.1187A>C (p.Gln396Pro)

Gene: GLI2 (GLI family zinc finger 2; plus strand). Cytogenetic location: 2q14.2.
Variant type: single nucleotide variant.
Coding change: c.1187A>C on transcript NM_001374353.1 (MANE Select); coding-DNA position 1187, A replaced by C.
Protein change: p.Gln396Pro; replaces glutamine 396 with proline.
Molecular consequence: missense variant.
Genome position (GRCh38, 1-based): chr2:120,974,979, A>C. VCF-style: chr2-120974979-A-C. GRCh37 (hg19) VCF-style: chr2-121732555-A-C.
Other names: c.1238A>C, p.Gln413Pro (NM_001371271.1, NM_005270.5); c.812A>C, p.Gln271Pro (NM_001374354.1); short protein forms Q396P, Q271P, Q413P.
Identifiers: ClinVar variation 2228764 (VCV002228764.2), dbSNP rs1007884555, ClinGen allele CA54370363.
Genomic context (GRCh38, chr2:120,974,979, plus strand): 5'-TTCAGGGCCAGGTGTCTGGACACGGCTCATGTGGGTGTGCCCTTCCCCTCTCCCAGGAGC[A>C]GCTGGCTGACCTCAAGGAAGATCTGGACAGGGATGACTGTAAGCAGGAGGCTGAGGTGGT-3'
Protein context (NP_001361282.1, residues 386-406): PASPLALTQE[Gln396Pro]LADLKEDLDR

ClinVar aggregate classification (germline): Uncertain significance (1 of 4 stars; one submission).

Conditions:
Inborn genetic diseases. Identifiers: MedGen C0950123, MeSH D030342.

Allele frequency attached by ClinVar (database versions not stated): TOPMed below 0.00001; gnomAD exomes 0.00001.
gnomAD v4.1: 12 of 1,614,242 alleles (0.00074%); highest among the groups gnomAD compares: Non-Finnish European, 0.001%; no homozygotes.

Submission:

Ambry Genetics
Classification: Uncertain significance for Inborn genetic diseases. Last evaluated: 2021-01-26. Review status: criteria provided, single submitter. Criteria: Ambry Variant Classification Scheme 2023. Collection method: clinical testing. Allele origin: germline.
Comment: The c.1238A>C (p.Q413P) alteration is located in exon 8 (coding exon 8) of the GLI2 gene. This alteration results from a A to C substitution at nucleotide position 1238, causing the glutamine (Q) at amino acid position 413 to be replaced by a proline (P). The p.Q413P alteration is predicted to be tolerated by in silico analysis. Based on insufficient or conflicting evidence, the clinical significance of this alteration remains unclear.